The following is an entry in ClinVar:

ClinVar aggregate classification (germline): Conflicting classifications of pathogenicity. Review status: criteria provided, conflicting classifications (1 of 4 stars). 5 submissions from 5 submitters: Uncertain significance (2); Benign (1); Likely benign (2). Last evaluated 2026-04-17.

Conditions:
COL12A1-related disorder. Also called: COL12A1-related condition.
Ullrich congenital muscular dystrophy 2 (UCMD2). Identifiers: Orphanet 75840, MedGen C4225314, MONDO:0014654, OMIM 616470.
Bethlem myopathy 2 (BTHLM2). Identifiers: Orphanet 536516, Orphanet 610, MedGen C4225313, MONDO:0034022, OMIM 616471.

Allele frequency attached by ClinVar (database versions not stated): gnomAD 0.00016; ESP Exome Variant Server 0.00017; TOPMed 0.00018; gnomAD exomes 0.00023 and 0.00040; 1000 Genomes Project 30x 0.00031; 1000 Genomes Project 0.00040; ExAC 0.00043.
gnomAD v4.1: 383 of 1,612,842 alleles (0.024%); highest among the groups gnomAD compares: South Asian, 0.26%; 6 homozygotes.

Submissions (5):

PreventionGenetics, part of Exact Sciences
Classification: Likely benign for COL12A1-related condition. Last evaluated: 2026-04-17. Review status: criteria provided, single submitter. Criteria: ACMG Guidelines, 2015. Collection method: clinical testing. Allele origin: germline.
Comment: This variant is classified as likely benign based on ACMG/AMP sequence variant interpretation guidelines (Richards et al. 2015 PMID: 25741868, with internal and published modifications).

Labcorp Genetics (formerly Invitae), Labcorp
Classification: Benign for Bethlem myopathy 2; Ullrich congenital muscular dystrophy 2. Last evaluated: 2026-02-01. Review status: criteria provided, single submitter. Criteria: Invitae Variant Classification Sherloc (09022015). Collection method: clinical testing. Allele origin: germline.

Women's Health and Genetics/Laboratory Corporation of America, LabCorp
Classification: Uncertain significance. Last evaluated: 2025-12-10. Review status: criteria provided, single submitter. Criteria: LabCorp Variant Classification Summary - May 2015. Collection method: clinical testing. Allele origin: germline.
Comment: Variant summary: COL12A1 c.695C>T (p.Thr232Met) results in a non-conservative amino acid change in the encoded protein sequence. Algorithms developed to predict the effect of missense changes on protein structure and function all suggest that this variant is likely to be disruptive. The variant allele was found at a frequency of 0.0004 in 248662 control chromosomes in the gnomAD database, including 2 homozygotes. This frequency is not significantly higher than estimated for disease-causing variants in COL12A1, allowing no conclusion about variant significance. To our knowledge, no occurrence of c.695C>T in individuals affected with COL12A1-related conditions and no experimental evidence demonstrating its impact on protein function have been reported. ClinVar contains an entry for this variant (Variation ID: 779486). Based on the evidence outlined above, the variant was classified as uncertain significance.

Mayo Clinic Laboratories, Mayo Clinic
Classification: Likely benign. Last evaluated: 2024-12-27. Review status: criteria provided, single submitter. Criteria: ACMG Guidelines, 2015. Collection method: clinical testing. Allele origin: germline. Observed: 2 variant alleles.
Comment: BS1

CeGaT Center for Human Genetics Tuebingen
Classification: Uncertain significance. Last evaluated: 2024-07-01. Review status: criteria provided, single submitter. Criteria: CeGaT Center For Human Genetics Tuebingen Variant Classification Criteria Version 2. Collection method: clinical testing. Allele origin: germline. Affected: yes. Observed: 2 variant alleles.

NM_004370.6(COL12A1):c.695C>T (p.Thr232Met)

Gene: COL12A1 (collagen type XII alpha 1 chain; minus strand). Cytogenetic location: 6q13.
Variant type: single nucleotide variant.
Coding change: c.695C>T on transcript NM_004370.6 (MANE Select); coding-DNA position 695, C replaced by T.
Protein change: p.Thr232Met; replaces threonine 232 with methionine.
Molecular consequence: missense variant. On other transcripts: intron variant (1).
Genome position (GRCh38, 1-based): chr6:75,189,345, G>A on the plus strand (C>T on the coding strand, the complement: COL12A1 is on the minus strand). VCF-style: chr6-75189345-G-A. GRCh37 (hg19) VCF-style: chr6-75899061-G-A.
Other names: p.Thr232Met; c.73+13375C>T (NM_080645.3); short protein forms T232M.
Identifiers: ClinVar variation 779486 (VCV000779486.54), dbSNP rs200443479, ClinGen allele CA3894368.